The following is an entry in ClinVar:

NM_001111125.3(IQSEC2):c.2318A>G (p.Gln773Arg)

Gene: IQSEC2 (IQ motif and Sec7 domain ArfGEF 2; minus strand). Cytogenetic location: Xp11.22.
Variant type: single nucleotide variant.
Coding change: c.2318A>G on transcript NM_001111125.3 (MANE Select); coding-DNA position 2318, A replaced by G.
Protein change: p.Gln773Arg; replaces glutamine 773 with arginine.
Molecular consequence: missense variant.
Genome position (GRCh38, 1-based): chrX:53,248,862, T>C on the plus strand (A>G on the coding strand, the complement: IQSEC2 is on the minus strand). VCF-style: chrX-53248862-T-C. GRCh37 (hg19) VCF-style: chrX-53278044-T-C.
Other names: c.2318A>G, p.Gln773Arg (NM_001410736.1, NM_001441092.1); c.1820A>G, p.Gln607Arg (NM_001441093.1); c.1607A>G, p.Gln536Arg (NM_001441094.1, NM_001441095.1); c.1703A>G, p.Gln568Arg (NM_015075.2); short protein forms Q536R, Q568R, Q607R, Q773R.
Identifiers: ClinVar variation 4851451 (VCV004851451.1).

ClinVar aggregate classification (germline): Uncertain significance (1 of 4 stars; one submission).

Conditions:
Intellectual developmental disorder, X-linked 1. Also called: Atkin Flaitz Patil Smith syndrome; MENTAL RETARDATION, X-LINKED 18; MENTAL RETARDATION, X-LINKED 78; Intellectual disability, X-linked 1. Identifiers: Orphanet 777, MedGen C2931498, MONDO:0010656, OMIM 309530.

gnomAD v4.1: 1 of 1,210,714 alleles (0.000083%); highest among the groups gnomAD compares: Non-Finnish European, 0.00011%; no homozygotes.

Submission:

Institute of Immunology and Genetics Kaiserslautern
Classification: Uncertain significance for Intellectual developmental disorder, X-linked 1. Last evaluated: 2026-01-02. Review status: criteria provided, single submitter. Criteria: ACMG Guidelines, 2015. Collection method: clinical testing. Allele origin: maternal. Affected: yes.
Comment: ACMG Criteria: PS2, PM2_P; Variant was found in a hemizygous state.